The following is an entry in ClinVar:

NM_004974.4(KCNA2):c.733C>T (p.Pro245Ser)

Gene: KCNA2 (potassium voltage-gated channel subfamily A member 2; minus strand). Cytogenetic location: 1p13.3.
Variant type: single nucleotide variant.
Coding change: c.733C>T on transcript NM_004974.4 (MANE Select); coding-DNA position 733, C replaced by T.
Protein change: p.Pro245Ser; replaces proline 245 with serine.
Molecular consequence: missense variant.
Genome position (GRCh38, 1-based): chr1:110,604,050, G>A on the plus strand (C>T on the coding strand, the complement: KCNA2 is on the minus strand). VCF-style: chr1-110604050-G-A. GRCh37 (hg19) VCF-style: chr1-111146672-G-A.
Other names: c.733C>T, p.Pro245Ser (NM_001204269.2); short protein forms P245S.
Identifiers: ClinVar variation 1695743 (VCV001695743.2), dbSNP rs1557732458, ClinGen allele CA341603322.
Genomic context (GRCh38, chr1:110,604,050, plus strand): 5'-GGATGATGGCCACAATGTCAATGATGTTCATGATGTTGGTGAAGAAGCCGGCTTTGCTGG[G>A]ACAGGCAAAGAACCTCACCAAGAATTCAAAGGAGAACCAGATGATGCAGAGTGTCTCTAC-3'
Protein context (NP_004965.1, residues 235-255): FEFLVRFFAC[Pro245Ser]SKAGFFTNIM

ClinVar aggregate classification (germline): Uncertain significance (1 of 4 stars; one submission).

Allele frequency attached by ClinVar (database versions not stated): gnomAD exomes below 0.00001.

Submission:

GeneDx
Classification: Uncertain significance. Last evaluated: 2022-01-05. Review status: criteria provided, single submitter. Criteria: GeneDx Variant Classification Process June 2021. Collection method: clinical testing. Allele origin: germline. Affected: yes.
Comment: Not observed at significant frequency in large population cohorts (gnomAD); In silico analysis supports that this missense variant has a deleterious effect on protein structure/function; Has not been previously published as pathogenic or benign to our knowledge